The following is an entry in ClinVar:

NM_004304.5(ALK):c.964C>T (p.Leu322Phe)

Gene: ALK (ALK receptor tyrosine kinase; minus strand). Cytogenetic location: 2p23.2.
Variant type: single nucleotide variant.
Coding change: c.964C>T on transcript NM_004304.5 (MANE Select); coding-DNA position 964, C replaced by T.
Protein change: p.Leu322Phe; replaces leucine 322 with phenylalanine.
Molecular consequence: missense variant.
Genome position (GRCh38, 1-based): chr2:29,532,105, G>A on the plus strand (C>T on the coding strand, the complement: ALK is on the minus strand). VCF-style: chr2-29532105-G-A. GRCh37 (hg19) VCF-style: chr2-29754971-G-A.
Other names: c.964C>T (NM_004304.4); short protein forms L322F.
Identifiers: ClinVar variation 3661421 (VCV003661421.3).

ClinVar aggregate classification (germline): Uncertain significance. Review status: criteria provided, multiple submitters, no conflicts (2 of 4 stars). 2 submissions from 2 submitters: Uncertain significance (2). Last evaluated 2025-11-24.

Conditions:
Hereditary cancer-predisposing syndrome. Also called: Neoplastic Syndromes, Hereditary; Hereditary neoplastic syndrome; Tumor predisposition; Hereditary Cancer Syndrome. Identifiers: Orphanet 140162, MedGen C0027672, MeSH D009386, MONDO:0015356.
Neuroblastoma, susceptibility to, 3. Also called: ALK-Related Neuroblastic Tumor Susceptibility. Identifiers: Orphanet 635, MedGen C2751681, MONDO:0013083, OMIM 613014.

gnomAD v4.1: 5 of 1,614,058 alleles (0.00031%); highest among the groups gnomAD compares: African/African-American, 0.004%; no homozygotes.

Submissions (2):

Ambry Genetics
Classification: Uncertain significance for Hereditary cancer-predisposing syndrome. Last evaluated: 2025-11-24. Review status: criteria provided, single submitter. Criteria: Ambry Variant Classification Scheme 2023. Collection method: clinical testing. Allele origin: germline.
Comment: The p.L322F variant (also known as c.964C>T), located in coding exon 4 of the ALK gene, results from a C to T substitution at nucleotide position 964. The leucine at codon 322 is replaced by phenylalanine, an amino acid with highly similar properties. This amino acid position is conserved. In addition, this alteration is predicted to be tolerated by in silico analysis. Based on the available evidence, the clinical significance of this variant remains unclear.

Labcorp Genetics (formerly Invitae), Labcorp
Classification: Uncertain significance for Neuroblastoma, susceptibility to, 3. Last evaluated: 2025-09-18. Review status: criteria provided, single submitter. Criteria: Invitae Variant Classification Sherloc (09022015). Collection method: clinical testing. Allele origin: germline.
Comment: This sequence change replaces leucine, which is neutral and non-polar, with phenylalanine, which is neutral and non-polar, at codon 322 of the ALK protein (p.Leu322Phe). This variant is not present in population databases (gnomAD no frequency). This variant has not been reported in the literature in individuals affected with ALK-related conditions. ClinVar contains an entry for this variant (Variation ID: 3661421). An algorithm developed to predict the effect of missense changes on protein structure and function outputs the following: PolyPhen-2: "Benign". The phenylalanine amino acid residue is found in multiple mammalian species, which suggests that this missense change does not adversely affect protein function. In summary, the available evidence is currently insufficient to determine the role of this variant in disease. Therefore, it has been classified as a Variant of Uncertain Significance.